The following is an entry in ClinVar:

NM_001355436.2(SPTB):c.2519G>A (p.Arg840His)

Gene: SPTB (spectrin beta, erythrocytic; minus strand). Cytogenetic location: 14q23.3.
Variant type: single nucleotide variant.
Coding change: c.2519G>A on transcript NM_001355436.2 (MANE Select); coding-DNA position 2519, G replaced by A.
Protein change: p.Arg840His; replaces arginine 840 with histidine.
Molecular consequence: missense variant.
Genome position (GRCh38, 1-based): chr14:64,793,144, C>T on the plus strand (G>A on the coding strand, the complement: SPTB is on the minus strand). VCF-style: chr14-64793144-C-T. GRCh37 (hg19) VCF-style: chr14-65259862-C-T.
Other names: c.2519G>A, p.Arg840His (NM_001024858.4, NM_001355437.2); short protein forms R840H.
Identifiers: ClinVar variation 811593 (VCV000811593.38), dbSNP rs146326769, ClinGen allele CA7230848.

ClinVar aggregate classification (germline): Conflicting classifications of pathogenicity. Review status: criteria provided, conflicting classifications (1 of 4 stars). 7 submissions from 7 submitters: Uncertain significance (6); Likely benign (1). Last evaluated 2026-01-12.

Conditions:
Hereditary spherocytosis type 2. Also called: SPHEROCYTOSIS, TYPE 2, AUTOSOMAL DOMINANT. Identifiers: Orphanet 822, MedGen C2674219, MONDO:0000913, OMIM 616649.

Allele frequency attached by ClinVar (database versions not stated): ExAC 0.00051; gnomAD exomes 0.00057 and 0.00101; gnomAD 0.00062 and 0.00065; ESP Exome Variant Server 0.00108; TOPMed 0.00066.
gnomAD v4.1: 1,573 of 1,613,986 alleles (0.097%); highest among the groups gnomAD compares: Non-Finnish European, 0.12%; 2 homozygotes.

Submissions (7):

Labcorp Genetics (formerly Invitae), Labcorp
Classification: Likely benign. Last evaluated: 2026-01-12. Review status: criteria provided, single submitter. Criteria: Invitae Variant Classification Sherloc (09022015). Collection method: clinical testing. Allele origin: germline.

Blueprint Genetics
Classification: Uncertain significance. Last evaluated: 2024-06-27. Review status: criteria provided, single submitter. Criteria: ACMG Guidelines, 2015. Collection method: clinical testing. Allele origin: germline.

CeGaT Center for Human Genetics Tuebingen
Classification: Uncertain significance. Last evaluated: 2024-06-01. Review status: criteria provided, single submitter. Criteria: CeGaT Center For Human Genetics Tuebingen Variant Classification Criteria Version 2. Collection method: clinical testing. Allele origin: germline. Affected: yes. Observed: 1 variant allele.

Mendelics
Classification: Uncertain significance. Last evaluated: 2022-05-04. Review status: criteria provided, single submitter. Criteria: Mendelics Assertion Criteria 2019. Collection method: clinical testing. Allele origin: germline.

ARUP Laboratories, Molecular Genetics and Genomics, ARUP Laboratories
Classification: Uncertain significance. Last evaluated: 2022-01-19. Review status: criteria provided, single submitter. Criteria: ARUP Molecular Germline Variant Investigation Process 2021. Collection method: clinical testing. Allele origin: germline.

Foundation for Research in Genetics and Endocrinology, FRIGE's Institute of Human Genetics
Classification: Uncertain significance for Hereditary spherocytosis type 2. Last evaluated: 2020-08-01. Review status: criteria provided, single submitter. Criteria: ACMG Guidelines, 2015. Collection method: clinical testing. Allele origin: germline. Inheritance: Autosomal dominant inheritance. Affected: yes. Observed: 1 heterozygote.
Comment: A heterozygous missense variation in exon 14 of the SPTB gene that results in the amino acid substitution of Histidine for Arginine at codon 840 was detected. The observed variant lies in the spectin repeat domain of the SPTB protein. The variant c.2519G>A (p.Arg840His) has not been reported in the 1000 genomes database and has a minor allele frequency of 0.06% in the gnomAD database. The in silico prediction of the variant are probably damaging by PolyPhen-2 (HumDiv), SIFT and LRT. The reference codon is conserved across species. In summary, the variant meets our criteria to be classified as a variant of uncertain significance.

Breakthrough Genomics
Classification: Uncertain significance. Review status: criteria provided, single submitter. Criteria: ACMG Guidelines, 2015. Collection method: not provided. Allele origin: germline. Inheritance: Autosomal dominant inheritance. Affected: yes.